The following is an entry in ClinVar:

ClinVar aggregate classification (germline): Uncertain significance. Review status: criteria provided, multiple submitters, no conflicts (2 of 4 stars). 2 submissions from 2 submitters: Uncertain significance (2). Last evaluated 2025-04-09.

Conditions:
Chédiak-Higashi syndrome (CHS). Also called: Chediak-Higashi Syndrome. Identifiers: Orphanet 167, MedGen C0007965, MONDO:0008963, OMIM 214500.
Inborn genetic diseases. Identifiers: MedGen C0950123, MeSH D030342.

Allele frequency attached by ClinVar (database versions not stated): gnomAD exomes below 0.00001.
gnomAD v4.1: 2 of 1,614,028 alleles (0.00012%); highest among the groups gnomAD compares: Non-Finnish European, 0.00017%; no homozygotes.

Submissions (2):

Ambry Genetics
Classification: Uncertain significance for Inborn genetic diseases. Last evaluated: 2025-04-09. Review status: criteria provided, single submitter. Criteria: Ambry Variant Classification Scheme 2023. Collection method: clinical testing. Allele origin: germline.

Labcorp Genetics (formerly Invitae), Labcorp
Classification: Uncertain significance for Chédiak-Higashi syndrome. Last evaluated: 2018-06-22. Review status: criteria provided, single submitter. Criteria: Invitae Variant Classification Sherloc (09022015). Collection method: clinical testing. Allele origin: germline.
Comment: In summary, the available evidence is currently insufficient to determine the role of this variant in disease. Therefore, it has been classified as a Variant of Uncertain Significance. Algorithms developed to predict the effect of missense changes on protein structure and function (SIFT, PolyPhen-2, Align-GVGD) all suggest that this variant is likely to be tolerated, but these predictions have not been confirmed by published functional studies and their clinical significance is uncertain. This variant has not been reported in the literature in individuals with LYST-related disease. This variant is not present in population databases (ExAC no frequency). This sequence change replaces aspartic acid with glycine at codon 2779 of the LYST protein (p.Asp2779Gly). The aspartic acid residue is moderately conserved and there is a moderate physicochemical difference between aspartic acid and glycine.

NM_000081.4(LYST):c.8336A>G (p.Asp2779Gly)

Gene: LYST (lysosomal trafficking regulator; minus strand). Cytogenetic location: 1q42.3.
Variant type: single nucleotide variant.
Coding change: c.8336A>G on transcript NM_000081.4 (MANE Select); coding-DNA position 8336, A replaced by G.
Protein change: p.Asp2779Gly; replaces aspartic acid 2779 with glycine.
Molecular consequence: missense variant.
Genome position (GRCh38, 1-based): chr1:235,741,444, T>C on the plus strand (A>G on the coding strand, the complement: LYST is on the minus strand). VCF-style: chr1-235741444-T-C. GRCh37 (hg19) VCF-style: chr1-235904744-T-C.
Other names: c.8336A>G (NM_000081.2); c.8336A>G, p.Asp2779Gly (NM_001301365.1); short protein forms D2779G.
Identifiers: ClinVar variation 573343 (VCV000573343.4), dbSNP rs2527622587, ClinGen allele CA344923251.
Genomic context (GRCh38, chr1:235,741,444, plus strand): 5'-AAACGTTTTACTTCTCTTATCAAAGCTGAGATACTTACTTGTAGGGATGGGCTGAGACAG[T>C]CTCGTAGTATTTCCTGATGATTTGGTTCATGAACTATTTCAAAAATTTGCTTTCTCTCTT-3'
Protein context (NP_000072.2, residues 2769-2789): HEPNHQEILR[Asp2779Gly]CLSPSLQHGA